The following is an entry in ClinVar:

NM_000138.5(FBN1):c.6164-5T>C

Gene: FBN1 (fibrillin 1; minus strand). Cytogenetic location: 15q21.1.
Variant type: single nucleotide variant.
Coding change: c.6164-5T>C on transcript NM_000138.5 (MANE Select); 5 bases into the intron before coding-DNA position 6164, T replaced by C.
Molecular consequence: intron variant.
Genome position (GRCh38, 1-based): chr15:48,437,922, A>G on the plus strand (T>C on the coding strand, the complement: FBN1 is on the minus strand). VCF-style: chr15-48437922-A-G. GRCh37 (hg19) VCF-style: chr15-48730119-A-G.
Identifiers: ClinVar variation 1675082 (VCV001675082.9), dbSNP rs2043085940, ClinGen allele CA2175504043.

ClinVar aggregate classification (germline): Conflicting classifications of pathogenicity. Review status: criteria provided, conflicting classifications (1 of 4 stars). 3 submissions from 3 submitters: Uncertain significance (1); Likely benign (2). Last evaluated 2025-10-27.

Conditions:
Geleophysic dysplasia 2 (GPHYSD2). Identifiers: Orphanet 2623, MedGen C3280054, MONDO:0013612, OMIM 614185.
Progeroid and marfanoid aspect-lipodystrophy syndrome. Also called: MARFAN-PROGEROID-LIPODYSTROPHY SYNDROME; Marfan lipodystrophy syndrome; MARFANOID-PROGEROID SYNDROME; MARFANOID-PROGEROID-LIPODYSTROPHY SYNDROME. Identifiers: Orphanet 300382, MedGen C4310796, MONDO:0014831, OMIM 616914.
MASS syndrome (OCTD). Also called: MASS PHENOTYPE; OVERLAP CONNECTIVE TISSUE DISEASE. Identifiers: MedGen C1858556, MONDO:0011431, OMIM 604308.
Marfan syndrome (MFS). Also called: Marfan syndrome, classic; MARFAN SYNDROME, TYPE I; Marfan syndrome type 1; Marfan's syndrome; FBN1-Related Marfan Syndrome. Identifiers: Orphanet 284963, Orphanet 558, MedGen C0024796, MONDO:0007947, OMIM 154700.
Ectopia lentis 1, isolated, autosomal dominant (ECTOL1). Identifiers: Orphanet 1885, MedGen C3541518, MONDO:0007514, OMIM 129600.
Stiff skin syndrome (SSKS). Identifiers: Orphanet 2833, MedGen C1861456, MONDO:0008492, OMIM 184900.
Acromicric dysplasia (ACMICD). Also called: Acromicric skeletal dysplasia. Identifiers: Orphanet 969, MedGen C0265287, MONDO:0007055, OMIM 102370.
Weill-Marchesani syndrome 2, dominant. Also called: FBN1-Related Weill-Marchesani Syndrome; Weill-Marchesani Syndrome, Autosomal Dominant. Identifiers: Orphanet 2084, MedGen C1869115, MONDO:0012013, OMIM 608328.
Familial thoracic aortic aneurysm and aortic dissection (TAAD). Also called: Thoracic aortic aneurysms and dissections. Identifiers: Orphanet 91387, MedGen C4707243, MONDO:0019625.

Allele frequency attached by ClinVar (database versions not stated): gnomAD 0.00001; gnomAD exomes below 0.00001; TOPMed 0.00002.
gnomAD v4.1: 3 of 1,613,420 alleles (0.00019%); highest among the groups gnomAD compares: Admixed American, 0.0033%; no homozygotes.

Submissions (3):

Labcorp Genetics (formerly Invitae), Labcorp
Classification: Likely benign for Marfan syndrome; Familial thoracic aortic aneurysm and aortic dissection. Last evaluated: 2025-10-27. Review status: criteria provided, single submitter. Criteria: Invitae Variant Classification Sherloc (09022015). Collection method: clinical testing. Allele origin: germline.

All of Us Research Program, National Institutes of Health
Classification: Likely benign for Marfan syndrome. Last evaluated: 2023-12-13. Review status: criteria provided, single submitter. Criteria: ACMG Guidelines, 2015. Collection method: clinical testing. Allele origin: germline. Inheritance: Autosomal dominant inheritance. Observed: 2 variant alleles, 2 heterozygotes.
Comment: This study involves interpretation of variants in research participants for the purpose of population health screening. Participant phenotype was not available at the time of variant classification. Additional details can be found in publication PMID: 35346344, PMCID: PMC8962531

Center for Genomics, Ann and Robert H. Lurie Children's Hospital of Chicago
Classification: Uncertain significance for Geleophysic dysplasia 2; Weill-Marchesani syndrome 2, dominant; Ectopia lentis 1, isolated, autosomal dominant; MASS syndrome; Progeroid and marfanoid aspect-lipodystrophy syndrome; Acromicric dysplasia; Marfan syndrome; Stiff skin syndrome. Review status: criteria provided, single submitter. Criteria: ACMG Guidelines, 2015. Collection method: clinical testing. Allele origin: germline.
Comment: FBN1 NM_000138.4 exon 51 c.6164-5T>C: This variant has not been reported in the literature and is not present in large control databases. Evolutionary conservation and computational predictive tools for this variant are limited or unavailable. Although this variant occurs in the splice region, computational prediction tools do not suggest that it alters splicing. However, further studies are needed to understand its impact. In summary, data on this variant is insufficient for disease classification. Therefore, the clinical significance of this variant is uncertain.